The following is an entry in ClinVar:

ClinVar aggregate classification (germline): Uncertain significance (1 of 4 stars; one submission).

Allele frequency attached by ClinVar (database versions not stated): gnomAD exomes below 0.00001.
gnomAD v4.1: 3 of 1,609,936 alleles (0.00019%); highest among the groups gnomAD compares: South Asian, 0.0022%; no homozygotes.

Submission:

Labcorp Genetics (formerly Invitae), Labcorp
Classification: Uncertain significance. Last evaluated: 2024-11-11. Review status: criteria provided, single submitter. Criteria: Invitae Variant Classification Sherloc (09022015). Collection method: clinical testing. Allele origin: germline.
Comment: This sequence change replaces tyrosine, which is neutral and polar, with cysteine, which is neutral and slightly polar, at codon 230 of the FREM2 protein (p.Tyr230Cys). This variant is not present in population databases (gnomAD no frequency). This variant has not been reported in the literature in individuals affected with FREM2-related conditions. ClinVar contains an entry for this variant (Variation ID: 1368932). Invitae Evidence Modeling of protein sequence and biophysical properties (such as structural, functional, and spatial information, amino acid conservation, physicochemical variation, residue mobility, and thermodynamic stability) has been performed for this missense variant. However, the output from this modeling did not meet the statistical confidence thresholds required to predict the impact of this variant on FREM2 protein function. In summary, the available evidence is currently insufficient to determine the role of this variant in disease. Therefore, it has been classified as a Variant of Uncertain Significance.

NM_207361.6(FREM2):c.689A>G (p.Tyr230Cys)

Gene: FREM2 (FRAS1 related extracellular matrix 2; plus strand). Cytogenetic location: 13q13.3.
Variant type: single nucleotide variant.
Coding change: c.689A>G on transcript NM_207361.6 (MANE Select); coding-DNA position 689, A replaced by G.
Protein change: p.Tyr230Cys; replaces tyrosine 230 with cysteine.
Molecular consequence: missense variant.
Genome position (GRCh38, 1-based): chr13:38,688,033, A>G. VCF-style: chr13-38688033-A-G. GRCh37 (hg19) VCF-style: chr13-39262170-A-G.
Other names: short protein forms Y230C.
Identifiers: ClinVar variation 1368932 (VCV001368932.4), dbSNP rs1869573182, ClinGen allele CA387882722.
Genomic context (GRCh38, chr13:38,688,033, plus strand): 5'-AGCCCGAGACAGAGGAGTGCCGCGTGGGCATCCTGTCCGGCTTGGGCGCGCTGCCTCGCT[A>G]TGGAGAACTCCTCCACTACCCGCAGGTCCCTGGAGGAGCCAGAGAGGGAGGCGCCCCGGA-3'
Protein context (NP_997244.4, residues 220-240): ILSGLGALPR[Tyr230Cys]GELLHYPQVP